The following is an entry in ClinVar:

NM_001365088.1(SLC12A6):c.2617T>G (p.Trp873Gly)

Genes: SLC12A6 (solute carrier family 12 member 6; minus strand), LOC126862097 (P300/CBP strongly-dependent group 1 enhancer GRCh37_chr15:34531007-34532206; plus strand). Cytogenetic location: 15q14.
Variant type: single nucleotide variant.
Coding change: c.2617T>G on transcript NM_001365088.1 (MANE Select); coding-DNA position 2617, T replaced by G.
Protein change: p.Trp873Gly; replaces tryptophan 873 with glycine.
Molecular consequence: missense variant.
Genome position (GRCh38, 1-based): chr15:34,238,980, A>C on the plus strand (T>G on the coding strand, the complement: SLC12A6 is on the minus strand). VCF-style: chr15-34238980-A-C. GRCh37 (hg19) VCF-style: chr15-34531181-A-C.
Other names: c.2440T>G, p.Trp814Gly (NM_001042494.2, NM_001042495.2); c.2590T>G, p.Trp864Gly (NM_001042496.2); c.2572T>G, p.Trp858Gly (NM_001042497.2); c.2464T>G, p.Trp822Gly (NM_005135.2); c.2617T>G, p.Trp873Gly (NM_133647.2); short protein forms W814G, W873G, W822G, W858G, W864G.
Identifiers: ClinVar variation 2448189 (VCV002448189.2), dbSNP rs1304454604, ClinGen allele CA391619121.
Genomic context (GRCh38, chr15:34,238,980, plus strand): 5'-ACCCTCGACTTGGGCCTTTAGGTTTGTATGAGAAATGGTTAGTACCAATAAAAGTCTTCC[A>C]AGCGCGGGCATCTTCGCTTTGACGCCAGCCATTAGGCCAGCCCATCACCACCGTGTTGTG-3'
Protein context (NP_001352017.1, residues 863-883): GWRQSEDARA[Trp873Gly]KTFIGTVRVT

ClinVar aggregate classification (germline): Uncertain significance (1 of 4 stars; one submission).

Conditions:
Inborn genetic diseases. Identifiers: MedGen C0950123, MeSH D030342.

Allele frequency attached by ClinVar (database versions not stated): TOPMed 0.00001.

Submission:

Ambry Genetics
Classification: Uncertain significance for Inborn genetic diseases. Last evaluated: 2022-12-25. Review status: criteria provided, single submitter. Criteria: Ambry Variant Classification Scheme 2023. Collection method: clinical testing. Allele origin: germline.
Comment: The p.W873G variant (also known as c.2617T>G), located in coding exon 19 of the SLC12A6 gene, results from a T to G substitution at nucleotide position 2617. The tryptophan at codon 873 is replaced by glycine, an amino acid with highly dissimilar properties. This amino acid position is conserved. In addition, this alteration is predicted to be deleterious by in silico analysis. Since supporting evidence is limited at this time, the clinical significance of this alteration remains unclear.